The following is an entry in ClinVar:

ClinVar aggregate classification (germline): Pathogenic (1 of 4 stars; one submission).

Submission:

GeneDx
Classification: Pathogenic. Last evaluated: 2025-04-30. Review status: criteria provided, single submitter. Criteria: GeneDx Variant Classification Process June 2021. Collection method: clinical testing. Allele origin: germline. Affected: yes.
Comment: Nonsense variant predicted to result in protein truncation or nonsense mediated decay in a gene for which loss of function is a known mechanism of disease; Not observed at significant frequency in large population cohorts (gnomAD); Has not been previously published as pathogenic or benign to our knowledge

NM_170606.3(KMT2C):c.10960C>T (p.Gln3654Ter)

Gene: KMT2C (lysine methyltransferase 2C; minus strand). Cytogenetic location: 7q36.1.
Variant type: single nucleotide variant.
Coding change: c.10960C>T on transcript NM_170606.3 (MANE Select); coding-DNA position 10960, C replaced by T.
Protein change: p.Gln3654Ter; replaces glutamine 3654 with a stop codon.
Molecular consequence: nonsense.
Genome position (GRCh38, 1-based): chr7:152,162,617, G>A on the plus strand (C>T on the coding strand, the complement: KMT2C is on the minus strand). VCF-style: chr7-152162617-G-A. GRCh37 (hg19) VCF-style: chr7-151859702-G-A.
Other names: short protein forms Q3654*.
Identifiers: ClinVar variation 4527008 (VCV004527008.1).